The following is an entry in ClinVar:

NM_181523.3(PIK3R1):c.1346_1354dup (p.Leu449_Glu451dup)

Gene: PIK3R1 (phosphoinositide-3-kinase regulatory subunit 1; plus strand). Cytogenetic location: 5q13.1.
Variant type: Duplication.
Coding change: c.1346_1354dup on transcript NM_181523.3 (MANE Select); coding-DNA positions 1346 to 1354, 9 bases duplicated (TACATGAAT; older notation c.1346_1354dupTACATGAAT).
Protein change: p.Leu449_Glu451dup.
Molecular consequence: inframe insertion.
Genome position (GRCh38, 1-based): chr5:68,293,755-68,293,763, TACATGAAT duplicated; duplicating any 9 consecutive bases within chr5:68,293,752-68,293,763 gives the same sequence; the c. name uses the placement nearest the transcript's 3' end. VCF-style (leftmost placement, unchanged base first): chr5-68293751-A-AAATTACATG. GRCh37 (hg19) VCF-style: chr5-67589579-A-AAATTACATG.
Other names: c.257_265dup, p.Leu86_Glu88dup (NM_001242466.2); c.536_544dup, p.Leu179_Glu181dup (NM_181504.4); c.446_454dup, p.Leu149_Glu151dup (NM_181524.2).
Identifiers: ClinVar variation 1307848 (VCV001307848.2), dbSNP rs2112263075, ClinGen allele CA2573052523.
Genomic context (GRCh38, chr5:68,293,751, plus strand): 5'-TTATTTTAATCTTTCTAGGATCAAGTTGTCAAAGAAGATAATATTGAAGCTGTAGGGAAA[A>AAATTACATG]AATTACATGAATATAACACTCAGTTTCAAGAAAAAAGTCGAGAATATGATAGATTATATG-3'

ClinVar aggregate classification (germline): Uncertain significance (1 of 4 stars; one submission).

Submission:

GeneDx
Classification: Uncertain significance. Last evaluated: 2019-08-15. Review status: criteria provided, single submitter. Criteria: GeneDx Variant Classification Process June 2021. Collection method: clinical testing. Allele origin: germline. Affected: yes.
Comment: In-frame duplication of 3 amino acids in a non-repeat region; Has not been previously published as pathogenic or benign to our knowledge; Not observed in large population cohorts (Lek et al., 2016)